The following is an entry in ClinVar:

NM_003900.5(SQSTM1):c.26A>G (p.Tyr9Cys)

Gene: SQSTM1 (sequestosome 1; plus strand). Cytogenetic location: 5q35.3.
Variant type: single nucleotide variant.
Coding change: c.26A>G on transcript NM_003900.5 (MANE Select); coding-DNA position 26, A replaced by G.
Protein change: p.Tyr9Cys; replaces tyrosine 9 with cysteine.
Molecular consequence: missense variant. On other transcripts: intron variant (2).
Genome position (GRCh38, 1-based): chr5:179,820,962, A>G. VCF-style: chr5-179820962-A-G. GRCh37 (hg19) VCF-style: chr5-179247962-A-G.
Other names: c.26A>G (NM_003900.4); c.-47-1996A>G (NM_001142298.2, NM_001142299.2); short protein forms Y9C.
Identifiers: ClinVar variation 1406685 (VCV001406685.11), dbSNP rs1295820640, ClinGen allele CA362442036.

ClinVar aggregate classification (germline): Uncertain significance. Review status: criteria provided, multiple submitters, no conflicts (2 of 4 stars). 4 submissions from 4 submitters: Uncertain significance (4). Last evaluated 2026-01-09.

Conditions:
Inborn genetic diseases. Identifiers: MedGen C0950123, MeSH D030342.
Frontotemporal dementia and/or amyotrophic lateral sclerosis 1 (FTDALS1). Also called: C9orf72 Frontotemporal Dementia and/or Amyotrophic Lateral Sclerosis; Frontotemporal dementia with motor neuron disease 1. Identifiers: Orphanet 275872, MedGen C5779877, MONDO:0007105, OMIM 105550.
Paget disease of bone 2, early-onset (PDB2). Also called: Paget disease of bone 2. Identifiers: MedGen C4085251, MONDO:0011183, OMIM 602080.
SQSTM1-related disorder. Also called: SQSTM1-Related Disorders.

Allele frequency attached by ClinVar (database versions not stated): gnomAD 0.00001; gnomAD exomes 0.00001; TOPMed 0.00001.

Submissions (4):

Ambry Genetics
Classification: Uncertain significance for Inborn genetic diseases. Last evaluated: 2026-01-09. Review status: criteria provided, single submitter. Criteria: Ambry Variant Classification Scheme 2023. Collection method: clinical testing. Allele origin: germline.

PreventionGenetics, part of Exact Sciences
Classification: Uncertain significance for SQSTM1-related condition. Last evaluated: 2025-12-09. Review status: criteria provided, single submitter. Criteria: ACMG Guidelines, 2015. Collection method: clinical testing. Allele origin: germline.
Comment: The SQSTM1 c.26A>G variant is predicted to result in the amino acid substitution p.Tyr9Cys. To our knowledge, this variant has not been reported in the literature or in a large population database (gnomAD), indicating this variant is rare. At this time, the clinical significance of this variant is uncertain due to the absence of conclusive functional and genetic evidence.

Labcorp Genetics (formerly Invitae), Labcorp
Classification: Uncertain significance for Paget disease of bone 2, early-onset; Frontotemporal dementia and/or amyotrophic lateral sclerosis 1. Last evaluated: 2025-08-21. Review status: criteria provided, single submitter. Criteria: Invitae Variant Classification Sherloc (09022015). Collection method: clinical testing. Allele origin: germline.
Comment: This sequence change replaces tyrosine, which is neutral and polar, with cysteine, which is neutral and slightly polar, at codon 9 of the SQSTM1 protein (p.Tyr9Cys). This variant is not present in population databases (gnomAD no frequency). This variant has not been reported in the literature in individuals affected with SQSTM1-related conditions. ClinVar contains an entry for this variant (Variation ID: 1406685). Invitae Evidence Modeling of protein sequence and biophysical properties (such as structural, functional, and spatial information, amino acid conservation, physicochemical variation, residue mobility, and thermodynamic stability) indicates that this missense variant is expected to disrupt SQSTM1 protein function with a positive predictive value of 80%. In summary, the available evidence is currently insufficient to determine the role of this variant in disease. Therefore, it has been classified as a Variant of Uncertain Significance.

Blueprint Genetics
Classification: Uncertain significance. Last evaluated: 2023-05-09. Review status: criteria provided, single submitter. Criteria: ACMG Guidelines, 2015. Collection method: clinical testing. Allele origin: germline.